The following is an entry in ClinVar:

ClinVar aggregate classification (germline): Uncertain significance (1 of 4 stars; one submission).

Conditions:
MCM2-related disorder. Also called: MCM2-related condition.

Submission:

PreventionGenetics, part of Exact Sciences
Classification: Uncertain significance for MCM2-related condition. Last evaluated: 2026-03-05. Review status: criteria provided, single submitter. Criteria: ACMG Guidelines, 2015. Collection method: clinical testing. Allele origin: germline.
Comment: The MCM2 c.724C>G variant is predicted to result in the amino acid substitution p.His242Asp. To our knowledge, this variant has not been reported in the literature. This variant is reported in 0.032% of alleles in individuals of African descent in gnomAD. Although we suspect that this variant may be benign, at this time, the clinical significance of this variant is uncertain due to the absence of conclusive functional and genetic evidence.

NM_004526.4(MCM2):c.724C>G (p.His242Asp)

Gene: MCM2 (minichromosome maintenance complex component 2; plus strand). Cytogenetic location: 3q21.3.
Variant type: single nucleotide variant.
Coding change: c.724C>G on transcript NM_004526.4 (MANE Select); coding-DNA position 724, C replaced by G.
Protein change: p.His242Asp; replaces histidine 242 with aspartic acid.
Molecular consequence: missense variant. On other transcripts: non-coding transcript variant (1).
Genome position (GRCh38, 1-based): chr3:127,606,168, C>G. VCF-style: chr3-127606168-C-G. GRCh37 (hg19) VCF-style: chr3-127325011-C-G.
Other names: short protein forms H242D.
Identifiers: ClinVar variation 4981659 (VCV004981659.1).